The following is an entry in ClinVar:

ClinVar aggregate classification (germline): Benign/Likely benign. Review status: criteria provided, multiple submitters, no conflicts (2 of 4 stars). 5 submissions from 5 submitters: Benign (1); Likely benign (3). 1 of the submissions does not count toward it. Last evaluated 2026-08-01.

Conditions:
Inborn genetic diseases. Identifiers: MedGen C0950123, MeSH D030342.
Aspartylglucosaminuria (AGU). Also called: Aspartylglucos-aminuria; Aspartylglucos-amidase (AGA) deficiency; GLYCOASPARAGINASE; GLYCOSYLASPARAGINASE DEFICIENCY; AGA DEFICIENCY. Identifiers: Orphanet 93, MedGen C0268225, MONDO:0008830, OMIM 208400, HP:0012068.

Allele frequency attached by ClinVar (database versions not stated): gnomAD exomes 0.00057 and 0.00141; ExAC 0.00164; gnomAD 0.00423 and 0.00453; 1000 Genomes Project 0.00459; ESP Exome Variant Server 0.00461; 1000 Genomes Project 30x 0.00468; TOPMed 0.00508.
gnomAD v4.1: 1,523 of 1,614,058 alleles (0.094%); highest among the groups gnomAD compares: African/African-American, 1.4%; 8 homozygotes.

Submissions (10):

CeGaT Center for Human Genetics Tuebingen
Classification: Likely benign. Last evaluated: 2026-08-01. Review status: criteria provided, single submitter. Criteria: CeGaT Center For Human Genetics Tuebingen Variant Classification Criteria Version 2. Collection method: clinical testing. Allele origin: germline. Affected: yes. Observed: 1 variant allele.
Comment: AGA: BP4, BP7, BS1

Labcorp Genetics (formerly Invitae), Labcorp
Classification: Benign for Aspartylglucosaminuria. Last evaluated: 2026-01-27. Review status: criteria provided, single submitter. Criteria: Invitae Variant Classification Sherloc (09022015). Collection method: clinical testing. Allele origin: germline.

Blueprint Genetics
Classification: Likely benign. Last evaluated: 2024-11-25. Review status: criteria provided, single submitter. Criteria: ACMG Guidelines, 2015. Collection method: clinical testing. Allele origin: germline.

Ambry Genetics
Classification: Likely benign for Inborn genetic diseases. Last evaluated: 2022-03-07. Review status: criteria provided, single submitter. Criteria: Ambry Variant Classification Scheme 2023. Collection method: clinical testing. Allele origin: germline.

Natera, Inc.
Classification: Benign for Aspartylglucosaminuria. Last evaluated: 2020-09-16. Review status: no assertion criteria provided. Collection method: clinical testing. Allele origin: germline. Not counted in ClinVar's aggregate classification.

Dr. Peter K. Rogan Lab, Western University
No classification provided (evidence only). Condition: Colon adenocarcinoma. Review status: no classification provided. Collection method: in vitro. Allele origin: not applicable. Functional consequence: retained intron. Not counted in ClinVar's aggregate classification.

Dr. Peter K. Rogan Lab, Western University
No classification provided (evidence only). Condition: Hepatocellular carcinoma. Review status: no classification provided. Collection method: in vitro. Allele origin: not applicable. Functional consequence: retained intron. Not counted in ClinVar's aggregate classification.

Dr. Peter K. Rogan Lab, Western University
No classification provided (evidence only). Condition: Ovarian serous cystadenocarcinoma. Review status: no classification provided. Collection method: in vitro. Allele origin: not applicable. Functional consequence: retained intron. Not counted in ClinVar's aggregate classification.

Dr. Peter K. Rogan Lab, Western University
No classification provided (evidence only). Condition: Gastric cancer. Review status: no classification provided. Collection method: in vitro. Allele origin: not applicable. Functional consequence: retained intron. Not counted in ClinVar's aggregate classification.

Dr. Peter K. Rogan Lab, Western University
No classification provided (evidence only). Condition: Malignant tumor of esophagus. Review status: no classification provided. Collection method: in vitro. Allele origin: not applicable. Functional consequence: retained intron. Not counted in ClinVar's aggregate classification.

NM_000027.4(AGA):c.60A>G (p.Leu20=)

Gene: AGA (aspartylglucosaminidase; minus strand). Cytogenetic location: 4q34.3.
Variant type: single nucleotide variant.
Coding change: c.60A>G on transcript NM_000027.4 (MANE Select); coding-DNA position 60, A replaced by G.
Protein change: p.Leu20=; no amino-acid change (leucine 20 retained).
Molecular consequence: synonymous variant. On other transcripts: non-coding transcript variant (1).
Genome position (GRCh38, 1-based): chr4:177,442,316, T>C on the plus strand (A>G on the coding strand, the complement: AGA is on the minus strand). VCF-style: chr4-177442316-T-C. GRCh37 (hg19) VCF-style: chr4-178363470-T-C.
Other names: c.60A>G, p.Leu20= (NM_001171988.2).
Identifiers: ClinVar variation 348238 (VCV000348238.22), dbSNP rs114918706, ClinGen allele CA3147060.
Genomic context (GRCh38, chr4:177,442,316, plus strand): 5'-GGTTGCATTCTTAAAGGGCCAAGTGTTGACGACCAGGGGCAGAGGGCTGGAGCAGCGCAC[T>C]AGGGCCTGGCAGAGCAGAAACGGCACGAGAAGCACAGGCAAGTTCGACTTCCGCGCCATC-3'
Protein context (NP_000018.2, residues 10-30): LLVPFLLCQA[Leu20=]VRCSSPLPLV